The following is an entry in ClinVar:

NM_025132.4(WDR19):c.1352A>G (p.His451Arg)

Gene: WDR19 (WD repeat domain 19; plus strand). Cytogenetic location: 4p14.
Variant type: single nucleotide variant.
Coding change: c.1352A>G on transcript NM_025132.4 (MANE Select); coding-DNA position 1352, A replaced by G.
Protein change: p.His451Arg; replaces histidine 451 with arginine.
Molecular consequence: missense variant.
Genome position (GRCh38, 1-based): chr4:39,217,236, A>G. VCF-style: chr4-39217236-A-G. GRCh37 (hg19) VCF-style: chr4-39218856-A-G.
Other names: c.872A>G, p.His291Arg (NM_001317924.2); short protein forms H291R, H451R.
Identifiers: ClinVar variation 1994559 (VCV001994559.5), dbSNP rs2475133852, ClinGen allele CA356630994.

ClinVar aggregate classification (germline): Uncertain significance. Review status: criteria provided, multiple submitters, no conflicts (2 of 4 stars). 2 submissions from 2 submitters: Uncertain significance (2). Last evaluated 2022-05-15.

Conditions:
Asphyxiating thoracic dystrophy 5 (SRTD5). Also called: SHORT-RIB THORACIC DYSPLASIA 5 WITHOUT POLYDACTYLY; SHORT-RIB THORACIC DYSPLASIA 5 WITH OR WITHOUT POLYDACTYLY. Identifiers: Orphanet 474, MedGen C3280598, MONDO:0013717, OMIM 614376.
Senior-Loken syndrome 8 (SLSN8). Identifiers: Orphanet 3156, MedGen C4225376, MONDO:0014579, OMIM 616307.

Submissions (2):

Labcorp Genetics (formerly Invitae), Labcorp
Classification: Uncertain significance for Senior-Loken syndrome 8; Asphyxiating thoracic dystrophy 5. Last evaluated: 2022-05-15. Review status: criteria provided, single submitter. Criteria: Invitae Variant Classification Sherloc (09022015). Collection method: clinical testing. Allele origin: germline.
Comment: This sequence change replaces histidine, which is basic and polar, with arginine, which is basic and polar, at codon 451 of the WDR19 protein (p.His451Arg). This variant has not been reported in the literature in individuals affected with WDR19-related conditions. This variant is not present in population databases (gnomAD no frequency). Algorithms developed to predict the effect of missense changes on protein structure and function are either unavailable or do not agree on the potential impact of this missense change (SIFT: "Tolerated"; PolyPhen-2: "Probably Damaging"; Align-GVGD: "Class C0"). In summary, the available evidence is currently insufficient to determine the role of this variant in disease. Therefore, it has been classified as a Variant of Uncertain Significance.

Blueprint Genetics
Classification: Uncertain significance. Last evaluated: 2021-10-19. Review status: criteria provided, single submitter. Criteria: ACMG Guidelines, 2015. Collection method: clinical testing. Allele origin: germline.